The following is an entry in ClinVar:

ClinVar aggregate classification (germline): Conflicting classifications of pathogenicity. Review status: criteria provided, conflicting classifications (1 of 4 stars). 4 submissions from 4 submitters: Uncertain significance (3); Likely benign (1). Last evaluated 2025-05-22.

Conditions:
Inborn genetic diseases. Identifiers: MedGen C0950123, MeSH D030342.

gnomAD v4.1: 15 of 1,613,688 alleles (0.00093%); highest among the groups gnomAD compares: Admixed American, 0.013%; no homozygotes.

Submissions (4):

Labcorp Genetics (formerly Invitae), Labcorp
Classification: Likely benign. Last evaluated: 2025-05-22. Review status: criteria provided, single submitter. Criteria: Invitae Variant Classification Sherloc (09022015). Collection method: clinical testing. Allele origin: germline.

Blueprint Genetics
Classification: Uncertain significance. Last evaluated: 2022-05-24. Review status: criteria provided, single submitter. Criteria: ACMG Guidelines, 2015. Collection method: clinical testing. Allele origin: germline.

GeneDx
Classification: Uncertain significance. Last evaluated: 2022-04-05. Review status: criteria provided, single submitter. Criteria: GeneDx Variant Classification Process June 2021. Collection method: clinical testing. Allele origin: germline. Affected: yes.
Comment: In silico analysis supports that this missense variant has a deleterious effect on protein structure/function; Has not been previously published as pathogenic or benign to our knowledge

Ambry Genetics
Classification: Uncertain significance for Inborn genetic diseases. Last evaluated: 2021-06-18. Review status: criteria provided, single submitter. Criteria: Ambry Variant Classification Scheme 2023. Collection method: clinical testing. Allele origin: germline.

NM_080680.3(COL11A2):c.3554G>C (p.Arg1185Pro)

Gene: COL11A2 (collagen type XI alpha 2 chain; minus strand). Cytogenetic location: 6p21.32.
Variant type: single nucleotide variant.
Coding change: c.3554G>C on transcript NM_080680.3 (MANE Select); coding-DNA position 3554, G replaced by C.
Protein change: p.Arg1185Pro; replaces arginine 1185 with proline.
Molecular consequence: missense variant.
Genome position (GRCh38, 1-based): chr6:33,170,354, C>G on the plus strand (G>C on the coding strand, the complement: COL11A2 is on the minus strand). VCF-style: chr6-33170354-C-G. GRCh37 (hg19) VCF-style: chr6-33138131-C-G.
Other names: c.3233G>C, p.Arg1078Pro (NM_080679.3); c.3296G>C, p.Arg1099Pro (NM_080681.3); short protein forms R1078P, R1099P, R1185P.
Identifiers: ClinVar variation 1190223 (VCV001190223.14), dbSNP rs771004504, ClinGen allele CA137064737.
Genomic context (GRCh38, chr6:33,170,354, plus strand): 5'-GGTCTCAAGGGACAGGGGCTGAGATGACTCACATCAGCGCCATTGGGTCCAGCTGGACCT[C>G]GAGGTCCTGGGGGGCCAGGTGGTCCCTGGGGGAAACAGATACACCACAGATGAGGAAGGG-3'
Protein context (NP_542411.2, residues 1175-1195): PMGPPGPPGP[Arg1185Pro]GPAGPNGADG